The following is an entry in ClinVar:

ClinVar aggregate classification (germline): Uncertain significance (1 of 4 stars; one submission).

Allele frequency attached by ClinVar (database versions not stated): ExAC 0.00001; gnomAD 0.00001; gnomAD exomes 0.00001; TOPMed 0.00002; ESP Exome Variant Server 0.00008.
gnomAD v4.1: 10 of 1,537,330 alleles (0.00065%); highest among the groups gnomAD compares: Non-Finnish European, 0.0009%; no homozygotes.

Submission:

Labcorp Genetics (formerly Invitae), Labcorp
Classification: Uncertain significance. Last evaluated: 2022-10-28. Review status: criteria provided, single submitter. Criteria: Invitae Variant Classification Sherloc (09022015). Collection method: clinical testing. Allele origin: germline.
Comment: ClinVar contains an entry for this variant (Variation ID: 1503348). This variant has not been reported in the literature in individuals affected with OPA1-related conditions. This variant is present in population databases (rs376022570, gnomAD 0.002%). This sequence change falls in intron 7 of the OPA1 gene. It does not directly change the encoded amino acid sequence of the OPA1 protein. It affects a nucleotide within the consensus splice site. Variants that disrupt the consensus splice site are a relatively common cause of aberrant splicing (PMID: 17576681, 9536098). Algorithms developed to predict the effect of sequence changes on RNA splicing suggest that this variant is not likely to affect RNA splicing. In summary, the available evidence is currently insufficient to determine the role of this variant in disease. Therefore, it has been classified as a Variant of Uncertain Significance.

Literature cited by the submitters: PubMed 17576681; PubMed 9536098.

NM_130837.3(OPA1):c.948+5T>G

Gene: OPA1 (OPA1 mitochondrial dynamin like GTPase; plus strand). Cytogenetic location: 3q29.
Variant type: single nucleotide variant.
Coding change: c.948+5T>G on transcript NM_130837.3 (MANE Select); 5 bases into the intron after coding-DNA position 948, T replaced by G.
Molecular consequence: intron variant.
Genome position (GRCh38, 1-based): chr3:193,635,527, T>G. VCF-style: chr3-193635527-T-G. GRCh37 (hg19) VCF-style: chr3-193353316-T-G.
Other names: c.411+5T>G (NM_001354664.2); c.414+5T>G (NM_001354663.2); c.837+5T>G (NM_130834.3); c.894+5T>G (NM_130836.3); c.783+5T>G (NM_015560.3); c.840+5T>G (NM_130835.3); c.729+5T>G (NM_130832.3); c.786+5T>G (NM_130833.3); and 1 more.
Identifiers: ClinVar variation 1503348 (VCV001503348.6), dbSNP rs376022570, ClinGen allele CA2759206.